The following is an entry in ClinVar:

ClinVar aggregate classification (germline): Likely benign (0 of 4 stars; one submission).

Conditions:
EYA1-related disorder. Also called: EYA1-related condition.

gnomAD v4.1: 14 of 1,613,978 alleles (0.00087%); highest among the groups gnomAD compares: African/African-American, 0.004%; no homozygotes.

Submission:

PreventionGenetics, part of Exact Sciences
Classification: Likely benign for EYA1-related condition. Last evaluated: 2024-09-11. Review status: no assertion criteria provided. Collection method: clinical testing. Allele origin: germline.
Comment: This variant is classified as likely benign based on ACMG/AMP sequence variant interpretation guidelines (Richards et al. 2015 PMID: 25741868, with internal and published modifications).

NM_000503.6(EYA1):c.424T>C (p.Leu142=)

Gene: EYA1 (EYA transcriptional coactivator and phosphatase 1; minus strand). Cytogenetic location: 8q13.3.
Variant type: single nucleotide variant.
Coding change: c.424T>C on transcript NM_000503.6 (MANE Select); coding-DNA position 424, T replaced by C.
Protein change: p.Leu142=; no amino-acid change (leucine 142 retained).
Molecular consequence: synonymous variant. On other transcripts: intron variant (4).
Genome position (GRCh38, 1-based): chr8:71,317,684, A>G on the plus strand (T>C on the coding strand, the complement: EYA1 is on the minus strand). VCF-style: chr8-71317684-A-G. GRCh37 (hg19) VCF-style: chr8-72229919-A-G.
Other names: c.511T>C, p.Leu171= (NM_001370333.1); c.424T>C, p.Leu142= (NM_001370334.1, NM_001370335.1, NM_172058.4); c.325T>C, p.Leu109= (NM_001411797.1, NM_172060.4); c.503-10T>C (NM_001370336.1); c.506-10T>C (NM_172059.5); c.68-10T>C (NM_001288575.2); c.416-10T>C (NM_001288574.2).
Identifiers: ClinVar variation 3357866 (VCV003357866.1).